The following is an entry in ClinVar:

NM_004320.6(ATP2A1):c.2771G>A (p.Arg924Gln)

Gene: ATP2A1 (ATPase sarcoplasmic/endoplasmic reticulum Ca2+ transporting 1; plus strand). Cytogenetic location: 16p11.2.
Variant type: single nucleotide variant.
Coding change: c.2771G>A on transcript NM_004320.6 (MANE Select); coding-DNA position 2771, G replaced by A.
Protein change: p.Arg924Gln; replaces arginine 924 with glutamine.
Molecular consequence: missense variant.
Genome position (GRCh38, 1-based): chr16:28,903,056, G>A. VCF-style: chr16-28903056-G-A. GRCh37 (hg19) VCF-style: chr16-28914377-G-A.
Other names: c.2396G>A, p.Arg799Gln (NM_001286075.2); c.2771G>A, p.Arg924Gln (NM_173201.5); short protein forms R799Q, R924Q.
Identifiers: ClinVar variation 655403 (VCV000655403.10), dbSNP rs781119219, ClinGen allele CA7987401.

ClinVar aggregate classification (germline): Uncertain significance (1 of 4 stars; one submission).

Conditions:
Brody myopathy. Also called: BRODY DISEASE. Identifiers: Orphanet 53347, MedGen C1832918, MONDO:0010977, OMIM 601003.

Allele frequency attached by ClinVar (database versions not stated): TOPMed 0.00001; ExAC 0.00002; gnomAD 0.00001; gnomAD exomes 0.00002.
gnomAD v4.1: 32 of 1,613,568 alleles (0.002%); highest among the groups gnomAD compares: Non-Finnish European, 0.0025%; no homozygotes.

Submission:

Labcorp Genetics (formerly Invitae), Labcorp
Classification: Uncertain significance for Brody myopathy. Last evaluated: 2023-10-03. Review status: criteria provided, single submitter. Criteria: Invitae Variant Classification Sherloc (09022015). Collection method: clinical testing. Allele origin: germline.
Comment: This sequence change replaces arginine, which is basic and polar, with glutamine, which is neutral and polar, at codon 924 of the ATP2A1 protein (p.Arg924Gln). This variant is present in population databases (rs781119219, gnomAD 0.006%). This variant has not been reported in the literature in individuals affected with ATP2A1-related conditions. ClinVar contains an entry for this variant (Variation ID: 655403). An algorithm developed to predict the effect of missense changes on protein structure and function (PolyPhen-2) suggests that this variant is likely to be disruptive. In summary, the available evidence is currently insufficient to determine the role of this variant in disease. Therefore, it has been classified as a Variant of Uncertain Significance.